The following is an entry in ClinVar:

NM_015089.4(CUL9):c.3731G>A (p.Cys1244Tyr)

Gene: CUL9 (cullin 9; plus strand). Cytogenetic location: 6p21.1.
Variant type: single nucleotide variant.
Coding change: c.3731G>A on transcript NM_015089.4 (MANE Select); coding-DNA position 3731, G replaced by A.
Protein change: p.Cys1244Tyr; replaces cysteine 1244 with tyrosine.
Molecular consequence: missense variant.
Genome position (GRCh38, 1-based): chr6:43,202,799, G>A. VCF-style: chr6-43202799-G-A. GRCh37 (hg19) VCF-style: chr6-43170537-G-A.
Other names: short protein forms C1244Y.
Identifiers: ClinVar variation 2656583 (VCV002656583.24), dbSNP rs200796643, ClinGen allele CA3817918.

ClinVar aggregate classification (germline): Likely benign (1 of 4 stars; one submission).

Allele frequency attached by ClinVar (database versions not stated): gnomAD exomes 0.00006; ExAC 0.00008; TOPMed 0.00008; gnomAD 0.00006; ESP Exome Variant Server 0.00015.

Submission:

CeGaT Center for Human Genetics Tuebingen
Classification: Likely benign. Last evaluated: 2023-01-01. Review status: criteria provided, single submitter. Criteria: CeGaT Center For Human Genetics Tuebingen Variant Classification Criteria Version 2. Collection method: clinical testing. Allele origin: germline. Affected: yes. Observed: 1 variant allele.
Comment: CUL9: BP4